The following is an entry in ClinVar:

ClinVar aggregate classification (germline): Uncertain significance (1 of 4 stars; one submission).

Submission:

Labcorp Genetics (formerly Invitae), Labcorp
Classification: Uncertain significance. Last evaluated: 2024-07-23. Review status: criteria provided, single submitter. Criteria: Invitae Variant Classification Sherloc (09022015). Collection method: clinical testing. Allele origin: germline.
Comment: This sequence change replaces glutamic acid, which is acidic and polar, with glycine, which is neutral and non-polar, at codon 1089 of the TET2 protein (p.Glu1089Gly). This variant is not present in population databases (gnomAD no frequency). This variant has not been reported in the literature in individuals affected with TET2-related conditions. An algorithm developed to predict the effect of missense changes on protein structure and function (PolyPhen-2) suggests that this variant is likely to be disruptive. In summary, the available evidence is currently insufficient to determine the role of this variant in disease. Therefore, it has been classified as a Variant of Uncertain Significance.

NM_001127208.3(TET2):c.3266A>G (p.Glu1089Gly)

Genes: TET2 (tet methylcytosine dioxygenase 2; plus strand), TET2-AS1 (TET2 antisense RNA 1; minus strand). Cytogenetic location: 4q24.
Variant type: single nucleotide variant.
Coding change: c.3266A>G on transcript NM_001127208.3 (MANE Select); coding-DNA position 3266, A replaced by G.
Protein change: p.Glu1089Gly; replaces glutamic acid 1089 with glycine.
Molecular consequence: missense variant.
Genome position (GRCh38, 1-based): chr4:105,237,208, A>G. VCF-style: chr4-105237208-A-G. GRCh37 (hg19) VCF-style: chr4-106158365-A-G.
Other names: c.3266A>G, p.Glu1089Gly (NM_017628.4); short protein forms E1089G.
Identifiers: ClinVar variation 3660346 (VCV003660346.2).
Genomic context (GRCh38, chr4:105,237,208, plus strand): 5'-CCACTGCTGCAGAACTTGATAGCCACACCCCAGCTTTAGAGCAGCAAACAACTTCTTCAG[A>G]AAAGACACCAACCAAAAGAACAGCTGCTTCTGTTCTCAATAATTTTATAGAGTCACCTTC-3'
Protein context (NP_001120680.1, residues 1079-1099): PALEQQTTSS[Glu1089Gly]KTPTKRTAAS